The following is an entry in ClinVar:

NM_003924.4(PHOX2B):c.892C>G (p.Leu298Val)

Gene: PHOX2B (paired like homeobox 2B; minus strand). Cytogenetic location: 4p13.
Variant type: single nucleotide variant.
Coding change: c.892C>G on transcript NM_003924.4 (MANE Select); coding-DNA position 892, C replaced by G.
Protein change: p.Leu298Val; replaces leucine 298 with valine.
Molecular consequence: missense variant.
Genome position (GRCh38, 1-based): chr4:41,745,860, G>C on the plus strand (C>G on the coding strand, the complement: PHOX2B is on the minus strand). VCF-style: chr4-41745860-G-C. GRCh37 (hg19) VCF-style: chr4-41747877-G-C.
Other names: short protein forms L298V.
Identifiers: ClinVar variation 3931848 (VCV003931848.1).
Genomic context (GRCh38, chr4:41,745,860, plus strand): 5'-TTCCAGATCAGAACATACTGCTCTTCACTAAGGCGGCTTTGGCACCGTTGGGTCTTTGGA[G>C]CGAAGATAGGACGCTGGCGAAGGGACCCCCAAGCGAATCCGGGATGGAGGTGATGGGGCC-3'
Protein context (NP_003915.2, residues 288-308): GGPFASVLSS[Leu298Val]QRPNGAKAAL

ClinVar aggregate classification (germline): Uncertain significance (1 of 4 stars; one submission).

Conditions:
Hereditary cancer-predisposing syndrome. Also called: Tumor predisposition; Hereditary neoplastic syndrome; Hereditary Cancer Syndrome; Neoplastic Syndromes, Hereditary. Identifiers: Orphanet 140162, MedGen C0027672, MeSH D009386, MONDO:0015356.

Submission:

Ambry Genetics
Classification: Uncertain significance for Hereditary cancer-predisposing syndrome. Last evaluated: 2025-05-01. Review status: criteria provided, single submitter. Criteria: Ambry Variant Classification Scheme 2023. Collection method: clinical testing. Allele origin: germline.
Comment: The p.L298V variant (also known as c.892C>G), located in coding exon 3 of the PHOX2B gene, results from a C to G substitution at nucleotide position 892. The leucine at codon 298 is replaced by valine, an amino acid with highly similar properties. This amino acid position is conserved. In addition, the in silico prediction for this alteration is inconclusive. Based on the available evidence, the clinical significance of this variant remains unclear.